The following is an entry in ClinVar:

ClinVar aggregate classification (germline): Pathogenic. Review status: criteria provided, multiple submitters, no conflicts (2 of 4 stars). 2 submissions from 2 submitters: Pathogenic (2). Last evaluated 2025-03-25.

Conditions:
Cardiovascular phenotype. Identifiers: MedGen CN230736.
Arrhythmogenic right ventricular dysplasia 11. Also called: ARRHYTHMOGENIC RIGHT VENTRICULAR DYSPLASIA, FAMILIAL, 11; Arrhythmogenic Right Ventricular Dysplasia/Cardiomyopathy11; Arrhythmogenic right ventricular dysplasia 11 with mild palmoplantar keratoderma and woolly hair. Identifiers: MedGen C1864850, MONDO:0012506, OMIM 610476.

Submissions (2):

Ambry Genetics
Classification: Pathogenic for Cardiovascular phenotype. Last evaluated: 2025-03-25. Review status: criteria provided, single submitter. Criteria: Ambry Variant Classification Scheme 2023. Collection method: clinical testing. Allele origin: germline.
Comment: The c.1187dupT pathogenic mutation, located in coding exon 9 of the DSC2 gene, results from a duplication of T at nucleotide position 1187, causing a translational frameshift with a predicted alternate stop codon (p.L396Ffs*5). This variant is considered to be rare based on population cohorts in the Genome Aggregation Database (gnomAD). This alteration is expected to result in loss of function by premature protein truncation or nonsense-mediated mRNA decay. As such, this alteration is interpreted as a disease-causing mutation.

Labcorp Genetics (formerly Invitae), Labcorp
Classification: Pathogenic for Arrhythmogenic right ventricular dysplasia 11. Last evaluated: 2024-07-15. Review status: criteria provided, single submitter. Criteria: Invitae Variant Classification Sherloc (09022015). Collection method: clinical testing. Allele origin: germline.
Comment: This sequence change creates a premature translational stop signal (p.Leu396Phefs*5) in the DSC2 gene. It is expected to result in an absent or disrupted protein product. Loss-of-function variants in DSC2 are known to be pathogenic (PMID: 23911551). This variant is not present in population databases (gnomAD no frequency). This variant has not been reported in the literature in individuals affected with DSC2-related conditions. For these reasons, this variant has been classified as Pathogenic.

Literature cited by the submitters: PubMed 23911551 (cited by Labcorp Genetics (formerly Invitae), Labcorp).

NM_024422.6(DSC2):c.1187dup (p.Leu396fs)

Gene: DSC2 (desmocollin 2; minus strand). Cytogenetic location: 18q12.1.
Variant type: Duplication.
Coding change: c.1187dup on transcript NM_024422.6 (MANE Select); coding-DNA position 1187, one base duplicated (T; older notation c.1187dupT).
Protein change: p.Leu396fs; shifts the reading frame from leucine 396.
Molecular consequence: frameshift variant.
Genome position (GRCh38, 1-based): chr18:31,082,314, A duplicated on the plus strand (T on the coding strand, the reverse complement: DSC2 is on the minus strand); the first of 4 consecutive A bases (chr18:31,082,314-31,082,317); duplicating any one gives the same sequence. VCF-style (leftmost placement, unchanged base first): chr18-31082313-T-TA. GRCh37 (hg19) VCF-style: chr18-28662279-T-TA.
Other names: c.758dup, p.Leu253fs (NM_001406506.1, NM_001406507.1); c.1187dup, p.Leu396fs (NM_004949.5); c.1187dupT (NM_024422.3); short protein forms L253fs, L396fs.
Identifiers: ClinVar variation 2705962 (VCV002705962.4), dbSNP rs909786635, ClinGen allele CA297637659.